The following is an entry in ClinVar:

NM_003801.4(GPAA1):c.366+1G>A

Gene: GPAA1 (glycosylphosphatidylinositol anchor attachment 1; plus strand). Cytogenetic location: 8q24.3.
Variant type: single nucleotide variant.
Coding change: c.366+1G>A on transcript NM_003801.4 (MANE Select); the canonical splice donor site of the intron after coding-DNA position 366, G replaced by A.
Molecular consequence: splice donor variant.
Genome position (GRCh38, 1-based): chr8:144,083,501, G>A. VCF-style: chr8-144083501-G-A. GRCh37 (hg19) VCF-style: chr8-145138404-G-A.
Identifiers: ClinVar variation 2170752 (VCV002170752.6), dbSNP rs1314042787, ClinGen allele CA372598384.
Genomic context (GRCh38, chr8:144,083,501, plus strand): 5'-GTCTACACGCAGAGTTTCTCCCGGAAACTGCCCTTCCCAGATGAGACCCACGAGCGCTAT[G>A]TACTGGGGGAGTGGGGTGTGCCTGGGCCCAGAAAGCACCTTGGAGGGAGGGGTCTGGGCT-3'

ClinVar aggregate classification (germline): Likely pathogenic. Review status: criteria provided, multiple submitters, no conflicts (2 of 4 stars). 2 submissions from 2 submitters: Likely pathogenic (2). Last evaluated 2025-12-18.

Allele frequency attached by ClinVar (database versions not stated): gnomAD 0.00001; gnomAD exomes 0.00001; TOPMed 0.00001.
gnomAD v4.1: 10 of 1,605,372 alleles (0.00062%); highest among the groups gnomAD compares: Non-Finnish European, 0.00085%; no homozygotes.

Submissions (2):

GeneDx
Classification: Likely pathogenic. Last evaluated: 2025-12-18. Review status: criteria provided, single submitter. Criteria: GeneDx Variant Classification Process June 2021. Collection method: clinical testing. Allele origin: germline.
Comment: Canonical splice site variant predicted to result in a null allele in a gene for which loss of function is a known mechanism of disease; Not observed at significant frequency in large population cohorts (gnomAD); Has not been previously published as pathogenic or benign to our knowledge

Labcorp Genetics (formerly Invitae), Labcorp
Classification: Likely pathogenic. Last evaluated: 2022-11-03. Review status: criteria provided, single submitter. Criteria: Invitae Variant Classification Sherloc (09022015). Collection method: clinical testing. Allele origin: germline.
Comment: In summary, the currently available evidence indicates that the variant is pathogenic, but additional data are needed to prove that conclusively. Therefore, this variant has been classified as Likely Pathogenic. Algorithms developed to predict the effect of sequence changes on RNA splicing suggest that this variant may disrupt the consensus splice site. This variant has not been reported in the literature in individuals affected with GPAA1-related conditions. This variant is present in population databases (no rsID available, gnomAD 0.007%). This sequence change affects a donor splice site in intron 3 of the GPAA1 gene. It is expected to disrupt RNA splicing. Variants that disrupt the donor or acceptor splice site typically lead to a loss of protein function (PMID: 16199547), and loss-of-function variants in GPAA1 are known to be pathogenic (PMID: 29100095).

Literature cited by the submitters: PubMed 16199547 (cited by Labcorp Genetics (formerly Invitae), Labcorp); PubMed 29100095 (cited by Labcorp Genetics (formerly Invitae), Labcorp).